The following is an entry in ClinVar:

NM_152743.4(BRAT1):c.2021C>A (p.Pro674His)

Gene: BRAT1 (BRCA1 associated ATM activator 1; minus strand). Cytogenetic location: 7p22.3.
Variant type: single nucleotide variant.
Coding change: c.2021C>A on transcript NM_152743.4 (MANE Select); coding-DNA position 2021, C replaced by A.
Protein change: p.Pro674His; replaces proline 674 with histidine.
Molecular consequence: missense variant. On other transcripts: non-coding transcript variant (1).
Genome position (GRCh38, 1-based): chr7:2,538,514, G>T on the plus strand (C>A on the coding strand, the complement: BRAT1 is on the minus strand). VCF-style: chr7-2538514-G-T. GRCh37 (hg19) VCF-style: chr7-2578148-G-T.
Other names: c.2201C>A, p.Pro734His (NM_001350626.2); c.1496C>A, p.Pro499His (NM_001350627.2); short protein forms P499H, P674H, P734H.
Identifiers: ClinVar variation 944428 (VCV000944428.9), dbSNP rs1452650151, ClinGen allele CA366624938.

ClinVar aggregate classification (germline): Uncertain significance (1 of 4 stars; one submission).

Conditions:
Neonatal-onset encephalopathy with rigidity and seizures. Also called: Lethal neonatal spasticity-epileptic encephalopathy syndrome. Identifiers: Orphanet 435845, MedGen C3281029, MONDO:0013784, OMIM 614498.

Submission:

Labcorp Genetics (formerly Invitae), Labcorp
Classification: Uncertain significance for Neonatal-onset encephalopathy with rigidity and seizures. Last evaluated: 2019-06-05. Review status: criteria provided, single submitter. Criteria: Invitae Variant Classification Sherloc (09022015). Collection method: clinical testing. Allele origin: germline.
Comment: In summary, the available evidence is currently insufficient to determine the role of this variant in disease. Therefore, it has been classified as a Variant of Uncertain Significance. Algorithms developed to predict the effect of missense changes on protein structure and function (SIFT, PolyPhen-2, Align-GVGD) all suggest that this variant is likely to be disruptive, but these predictions have not been confirmed by published functional studies and their clinical significance is uncertain. This variant has not been reported in the literature in individuals with BRAT1-related conditions. This variant is not present in population databases (ExAC no frequency). This sequence change replaces proline with histidine at codon 674 of the BRAT1 protein (p.Pro674His). The proline residue is highly conserved and there is a moderate physicochemical difference between proline and histidine.